The following is an entry in ClinVar:

NM_001631.5(ALPI):c.289G>A (p.Ala97Thr)

Gene: ALPI (alkaline phosphatase, intestinal; plus strand). Cytogenetic location: 2q37.1.
Variant type: single nucleotide variant.
Coding change: c.289G>A on transcript NM_001631.5 (MANE Select); coding-DNA position 289, G replaced by A.
Protein change: p.Ala97Thr; replaces alanine 97 with threonine.
Molecular consequence: missense variant.
Genome position (GRCh38, 1-based): chr2:232,456,684, G>A. VCF-style: chr2-232456684-G-A. GRCh37 (hg19) VCF-style: chr2-233321394-G-A.
Other names: short protein forms A97T.
Identifiers: ClinVar variation 3907651 (VCV003907651.2).
Genomic context (GRCh38, chr2:232,456,684, plus strand): 5'-CAGAAGAATGGCAAACTGGGGCCTGAGACGCCCCTGGCCATGGACCGCTTCCCATACCTG[G>A]CTCTGTCCAAGGTAAGGGCTGGGCCACCTCAGAGTCCTCCAAGCAGAGGAGAGGGATCAA-3'
Protein context (NP_001622.2, residues 87-107): PLAMDRFPYL[Ala97Thr]LSKTYNVDRQ

ClinVar aggregate classification (germline): Uncertain significance. Review status: criteria provided, multiple submitters, no conflicts (2 of 4 stars). 2 submissions from 2 submitters: Uncertain significance (2). Last evaluated 2025-06-19.

gnomAD v4.1: 287 of 1,603,782 alleles (0.018%); highest among the groups gnomAD compares: Middle Eastern, 0.066%; no homozygotes.

Submissions (2):

Women's Health and Genetics/Laboratory Corporation of America, LabCorp
Classification: Uncertain significance. Last evaluated: 2025-06-19. Review status: criteria provided, single submitter. Criteria: LabCorp Variant Classification Summary - May 2015. Collection method: clinical testing. Allele origin: germline.
Comment: Variant summary: ALPI c.289G>A (p.Ala97Thr) results in a non-conservative amino acid change in the encoded protein sequence. Algorithms developed to predict the effect of missense changes on protein structure and function all suggest that this variant is likely to be disruptive. The variant allele was found at a frequency of 0.0004 in 230316 control chromosomes. This frequency is not significantly higher than estimated for a pathogenic variant in ALPI causing ALPI-related inflammatory bowel disease, allowing no conclusion about variant significance. c.289G>A has been observed in individual(s) affected with ALPI-related inflammatory bowel disease (Parlato_2018). These report(s) do not provide unequivocal conclusions about association of the variant with ALPI-related inflammatory bowel disease. At least one publication reports experimental evidence evaluating an impact on protein function, showing that the variant significantly reduces phosphatase activity in vitro (Parlato_2018). The following publications have been ascertained in the context of this evaluation (PMID: 33077954, 29567797). No submitters have cited clinical-significance assessments for this variant to ClinVar. Based on the evidence outlined above, the variant was classified as uncertain significance.

Blueprint Genetics
Classification: Uncertain significance. Last evaluated: 2024-09-04. Review status: criteria provided, single submitter. Criteria: ACMG Guidelines, 2015. Collection method: clinical testing. Allele origin: germline.

Literature cited by the submitters: PubMed 33077954 (cited by Women's Health and Genetics/Laboratory Corporation of America, LabCorp); PubMed 29567797 (cited by Women's Health and Genetics/Laboratory Corporation of America, LabCorp).